The following is an entry in ClinVar:

NM_025137.4(SPG11):c.6452C>G (p.Ala2151Gly)

Gene: SPG11 (SPG11 vesicle trafficking associated, spatacsin; minus strand). Cytogenetic location: 15q21.1.
Variant type: single nucleotide variant.
Coding change: c.6452C>G on transcript NM_025137.4 (MANE Select); coding-DNA position 6452, C replaced by G.
Protein change: p.Ala2151Gly; replaces alanine 2151 with glycine.
Molecular consequence: missense variant.
Genome position (GRCh38, 1-based): chr15:44,570,550, G>C on the plus strand (C>G on the coding strand, the complement: SPG11 is on the minus strand). VCF-style: chr15-44570550-G-C. GRCh37 (hg19) VCF-style: chr15-44862748-G-C.
Other names: c.6452C>G (NM_025137.3); c.6113C>G, p.Ala2038Gly (NM_001160227.2); short protein forms A2038G, A2151G.
Identifiers: ClinVar variation 1345955 (VCV001345955.8), dbSNP rs763676031, ClinGen allele CA7534129.

ClinVar aggregate classification (germline): Conflicting classifications of pathogenicity. Review status: criteria provided, conflicting classifications (1 of 4 stars). 3 submissions from 3 submitters: Uncertain significance (2); Likely benign (1). Last evaluated 2026-05-26.

Conditions:
Inborn genetic diseases. Identifiers: MedGen C0950123, MeSH D030342.
Hereditary spastic paraplegia 11. Also called: SPASTIC PARAPLEGIA, AUTOSOMAL RECESSIVE, COMPLICATED, WITH THIN CORPUS CALLOSUM; SPASTIC PARAPLEGIA, AUTOSOMAL RECESSIVE, WITH MENTAL IMPAIRMENT AND THIN CORPUS CALLOSUM; Spastic Paraplegia 11; Nakamura Osame syndrome; Autosomal recessive hereditary spastic paraplegia, mental impairment, and thin corpus callosum; Spastic paraplegia, mental retardation and thin corpus callosum. Identifiers: Orphanet 2822, MedGen C1858479, MONDO:0011445, OMIM 604360.
SPG11-related disorder. Also called: SPG11-related condition.

Allele frequency attached by ClinVar (database versions not stated): gnomAD 0.00004; TOPMed 0.00007.
gnomAD v4.1: 16 of 1,614,034 alleles (0.00099%); highest among the groups gnomAD compares: African/African-American, 0.02%; no homozygotes.

Submissions (3):

PreventionGenetics, part of Exact Sciences
Classification: Uncertain significance for SPG11-related condition. Last evaluated: 2026-05-26. Review status: criteria provided, single submitter. Criteria: ACMG Guidelines, 2015. Collection method: clinical testing. Allele origin: germline.
Comment: The SPG11 c.6452C>G variant is predicted to result in the amino acid substitution p.Ala2151Gly. To our knowledge, this variant has not been reported in the literature. This variant is reported in 0.028% of alleles in individuals of African descent in gnomAD. At this time, the clinical significance of this variant is uncertain due to the absence of conclusive functional and genetic evidence.

Labcorp Genetics (formerly Invitae), Labcorp
Classification: Likely benign for Hereditary spastic paraplegia 11. Last evaluated: 2026-01-11. Review status: criteria provided, single submitter. Criteria: Invitae Variant Classification Sherloc (09022015). Collection method: clinical testing. Allele origin: germline.

Ambry Genetics
Classification: Uncertain significance for Inborn genetic diseases. Last evaluated: 2022-06-17. Review status: criteria provided, single submitter. Criteria: Ambry Variant Classification Scheme 2023. Collection method: clinical testing. Allele origin: germline.